The following is an entry in ClinVar:

ClinVar aggregate classification (germline): Uncertain significance (1 of 4 stars; one submission).

Conditions:
Cataract 14 multiple types. Also called: CATARACT 14, ZONULAR PULVERULENT; CATARACT 14, NUCLEAR PULVERULENT; CATARACT 14, NUCLEAR PULVERULENT AND POSTERIOR POLAR; CATARACT 14, NUCLEAR CORALLIFORM; CATARACT 14, EMBRYONAL NUCLEAR; CATARACT 14, COPPOCK-LIKE. Identifiers: Orphanet 91492, MedGen C1866078, MONDO:0011162, OMIM 601885.

gnomAD v4.1: 1 of 1,591,822 alleles (0.000063%); highest among the groups gnomAD compares: South Asian, 0.0011%; no homozygotes.

Submission:

Labcorp Genetics (formerly Invitae), Labcorp
Classification: Uncertain significance for Cataract 14 multiple types. Last evaluated: 2017-06-27. Review status: criteria provided, single submitter. Criteria: Invitae Variant Classification Sherloc (09022015). Collection method: clinical testing. Allele origin: germline.
Comment: This sequence change replaces aspartic acid with glutamic acid at codon 241 of the GJA3 protein (p.Asp241Glu). The aspartic acid residue is highly conserved and there is a small physicochemical difference between aspartic acid and glutamic acid. This variant is not present in population databases (ExAC no frequency). This variant has not been reported in the literature in individuals with a GJA3-related disease. Algorithms developed to predict the effect of missense changes on protein structure and function output the following: SIFT: "Tolerated"; PolyPhen-2: "Benign"; Align-GVGD: "Class C0". The glutamic acid amino acid residue is found in multiple mammalian species, suggesting that this missense change does not adversely affect protein function. These predictions have not been confirmed by published functional studies and their clinical significance is uncertain. In summary, this variant has uncertain impact on GJA3 function. The available evidence is currently insufficient to determine its role in disease. Therefore, it has been classified as a Variant of Uncertain Significance.

NM_021954.4(GJA3):c.723C>A (p.Asp241Glu)

Gene: GJA3 (gap junction protein alpha 3; minus strand). Cytogenetic location: 13q12.11.
Variant type: single nucleotide variant.
Coding change: c.723C>A on transcript NM_021954.4 (MANE Select); coding-DNA position 723, C replaced by A.
Protein change: p.Asp241Glu; replaces aspartic acid 241 with glutamic acid.
Molecular consequence: missense variant.
Genome position (GRCh38, 1-based): chr13:20,142,566, G>T on the plus strand (C>A on the coding strand, the complement: GJA3 is on the minus strand). VCF-style: chr13-20142566-G-T. GRCh37 (hg19) VCF-style: chr13-20716705-G-T.
Other names: short protein forms D241E.
Identifiers: ClinVar variation 468542 (VCV000468542.1), dbSNP rs771424292, ClinGen allele CA387463823.
Genomic context (GRCh38, chr13:20,142,566, plus strand): 5'-CGGCCGGGAGCTGGGGGGCAGGGGCGGGGGATCGGCTGTCCCCAGCGGGGCCTCGGAGGC[G>T]TCCGGGCCGAGGCGGCTGGTCACGCCCTGCTTGAGCTTCTTCCAGCCCAGGTGGTAGATC-3'
Protein context (NP_068773.2, residues 231-251): KQGVTSRLGP[Asp241Glu]ASEAPLGTAD